The following is an entry in ClinVar:

NM_017882.3(CLN6):c.563T>C (p.Ile188Thr)

Gene: CLN6 (CLN6 transmembrane ER protein; minus strand). Cytogenetic location: 15q23.
Variant type: single nucleotide variant.
Coding change: c.563T>C on transcript NM_017882.3 (MANE Select); coding-DNA position 563, T replaced by C.
Protein change: p.Ile188Thr; replaces isoleucine 188 with threonine.
Molecular consequence: missense variant.
Genome position (GRCh38, 1-based): chr15:68,209,739, A>G on the plus strand (T>C on the coding strand, the complement: CLN6 is on the minus strand). VCF-style: chr15-68209739-A-G. GRCh37 (hg19) VCF-style: chr15-68502077-A-G.
Other names: short protein forms I188T.
Identifiers: ClinVar variation 422698 (VCV000422698.7), dbSNP rs763059017, ClinGen allele CA7630536.

ClinVar aggregate classification (germline): Uncertain significance. Review status: criteria provided, multiple submitters, no conflicts (2 of 4 stars). 2 submissions from 2 submitters: Uncertain significance (2). Last evaluated 2025-01-06.

Conditions:
Neuronal ceroid lipofuscinosis. Also called: Neuronal Ceroid Lipofuscinoses. Identifiers: Orphanet 216, Orphanet 79263, MedGen C0027877, MONDO:0016295. Disease mechanism: loss of function.

Allele frequency attached by ClinVar (database versions not stated): gnomAD exomes below 0.00001; ExAC 0.00001.
gnomAD v4.1: 1 of 1,613,654 alleles (0.000062%); highest among the groups gnomAD compares: Non-Finnish European, 0.000085%; no homozygotes.

Submissions (2):

Labcorp Genetics (formerly Invitae), Labcorp
Classification: Uncertain significance for Neuronal ceroid lipofuscinosis. Last evaluated: 2025-01-06. Review status: criteria provided, single submitter. Criteria: Invitae Variant Classification Sherloc (09022015). Collection method: clinical testing. Allele origin: germline.
Comment: This sequence change replaces isoleucine, which is neutral and non-polar, with threonine, which is neutral and polar, at codon 188 of the CLN6 protein (p.Ile188Thr). This variant is present in population databases (rs763059017, gnomAD 0.0009%). This variant has not been reported in the literature in individuals affected with CLN6-related conditions. ClinVar contains an entry for this variant (Variation ID: 422698). Invitae Evidence Modeling of protein sequence and biophysical properties (such as structural, functional, and spatial information, amino acid conservation, physicochemical variation, residue mobility, and thermodynamic stability) indicates that this missense variant is not expected to disrupt CLN6 protein function with a negative predictive value of 80%. In summary, the available evidence is currently insufficient to determine the role of this variant in disease. Therefore, it has been classified as a Variant of Uncertain Significance.

GeneDx
Classification: Uncertain significance. Last evaluated: 2018-01-30. Review status: criteria provided, single submitter. Criteria: GeneDx Variant Classification (06012015). Collection method: clinical testing. Allele origin: germline. Affected: yes.
Comment: A variant of uncertain significance has been identified in the CLN6 gene. The I188T variant has not been published as a pathogenic variant, nor has it been reported as a benign variant to our knowledge. It was not observed in approximately 6,500 individuals of European and African American ancestry in the NHLBI Exome Sequencing Project, indicating it is not a common benign variant in these populations. The I188T variant is a non-conservative amino acid substitution, which is likely to impact secondary protein structure as these residues differ in polarity, charge, size and/or other properties. In silico analysis predicts this variant is probably damaging to the protein structure/function. However. this substitution occurs at a position where amino acids with similar properties to Threonine are tolerated across species. Therefore, based on the currently available information, it is unclear whether this variant is a pathogenic variant or a rare benign variant.